The following is an entry in ClinVar:

ClinVar aggregate classification (germline): Uncertain significance. Review status: criteria provided, multiple submitters, no conflicts (2 of 4 stars). 2 submissions from 2 submitters: Uncertain significance (2). Last evaluated 2024-10-29.

Conditions:
Dyskeratosis congenita, autosomal dominant 2. Identifiers: MedGen C3151443, MONDO:0013521, OMIM 613989.
Idiopathic Pulmonary Fibrosis. Also called: Idiopathic fibrosing alveolitis, chronic form; idiopathic fibrosing alveolitis. Identifiers: Orphanet 2032, MedGen C1800706, MeSH D054990, MONDO:0800504.
Dyskeratosis congenita. Identifiers: Orphanet 1775, MedGen C0265965, MONDO:0015780.

gnomAD v4.1: 2 of 1,613,236 alleles (0.00012%); highest among the groups gnomAD compares: Non-Finnish European, 0.00017%; no homozygotes.

Submissions (2):

Labcorp Genetics (formerly Invitae), Labcorp
Classification: Uncertain significance for Dyskeratosis congenita, autosomal dominant 2; Idiopathic Pulmonary Fibrosis. Last evaluated: 2024-10-29. Review status: criteria provided, single submitter. Criteria: Invitae Variant Classification Sherloc (09022015). Collection method: clinical testing. Allele origin: germline.
Comment: This sequence change replaces arginine, which is basic and polar, with tryptophan, which is neutral and slightly polar, at codon 515 of the TERT protein (p.Arg515Trp). This variant is not present in population databases (gnomAD no frequency). This variant has not been reported in the literature in individuals affected with TERT-related conditions. Invitae Evidence Modeling of protein sequence and biophysical properties (such as structural, functional, and spatial information, amino acid conservation, physicochemical variation, residue mobility, and thermodynamic stability) indicates that this missense variant is expected to disrupt TERT protein function with a positive predictive value of 95%. In summary, the available evidence is currently insufficient to determine the role of this variant in disease. Therefore, it has been classified as a Variant of Uncertain Significance.

Ambry Genetics
Classification: Uncertain significance for Dyskeratosis congenita. Last evaluated: 2024-03-09. Review status: criteria provided, single submitter. Criteria: Ambry Variant Classification Scheme 2023. Collection method: clinical testing. Allele origin: germline.
Comment: The p.R515W variant (also known as c.1543C>T), located in coding exon 2 of the TERT gene, results from a C to T substitution at nucleotide position 1543. The arginine at codon 515 is replaced by tryptophan, an amino acid with dissimilar properties. This amino acid position is conserved. In addition, this alteration is predicted to be tolerated by in silico analysis. Based on the available evidence, the clinical significance of this alteration remains unclear.

NM_198253.3(TERT):c.1543C>T (p.Arg515Trp)

Gene: TERT (telomerase reverse transcriptase; minus strand). Cytogenetic location: 5p15.33.
Variant type: single nucleotide variant.
Coding change: c.1543C>T on transcript NM_198253.3 (MANE Select); coding-DNA position 1543, C replaced by T.
Protein change: p.Arg515Trp; replaces arginine 515 with tryptophan.
Molecular consequence: missense variant. On other transcripts: non-coding transcript variant (2).
Genome position (GRCh38, 1-based): chr5:1,293,343, G>A on the plus strand (C>T on the coding strand, the complement: TERT is on the minus strand). VCF-style: chr5-1293343-G-A. GRCh37 (hg19) VCF-style: chr5-1293458-G-A.
Other names: c.1543C>T, p.Arg515Trp (NM_001193376.3, NM_003219.1); short protein forms R515W.
Identifiers: ClinVar variation 3238516 (VCV003238516.2), dbSNP rs1751112187.